The following is an entry in ClinVar:

NM_004863.4(SPTLC2):c.958A>G (p.Met320Val)

Gene: SPTLC2 (serine palmitoyltransferase long chain base subunit 2; minus strand). Cytogenetic location: 14q24.3.
Variant type: single nucleotide variant.
Coding change: c.958A>G on transcript NM_004863.4 (MANE Select); coding-DNA position 958, A replaced by G.
Protein change: p.Met320Val; replaces methionine 320 with valine.
Molecular consequence: missense variant.
Genome position (GRCh38, 1-based): chr14:77,555,518, T>C on the plus strand (A>G on the coding strand, the complement: SPTLC2 is on the minus strand). VCF-style: chr14-77555518-T-C. GRCh37 (hg19) VCF-style: chr14-78021861-T-C.
Other names: short protein forms M320V.
Identifiers: ClinVar variation 1011604 (VCV001011604.8), dbSNP rs1440656780, ClinGen allele CA390709363.

ClinVar aggregate classification (germline): Uncertain significance (1 of 4 stars; one submission).

Conditions:
Neuropathy, hereditary sensory and autonomic, type 1C. Also called: HSAN IC; HSN IC. Identifiers: Orphanet 36386, MedGen C3150896, MONDO:0013337, OMIM 613640.

Submission:

Labcorp Genetics (formerly Invitae), Labcorp
Classification: Uncertain significance for Neuropathy, hereditary sensory and autonomic, type 1C. Last evaluated: 2022-09-06. Review status: criteria provided, single submitter. Criteria: Invitae Variant Classification Sherloc (09022015). Collection method: clinical testing. Allele origin: germline.
Comment: In summary, the available evidence is currently insufficient to determine the role of this variant in disease. Therefore, it has been classified as a Variant of Uncertain Significance. Algorithms developed to predict the effect of missense changes on protein structure and function are either unavailable or do not agree on the potential impact of this missense change (SIFT: "Tolerated"; PolyPhen-2: "Possibly Damaging"; Align-GVGD: "Class C0"). ClinVar contains an entry for this variant (Variation ID: 1011604). This variant has not been reported in the literature in individuals affected with SPTLC2-related conditions. This variant is not present in population databases (gnomAD no frequency). This sequence change replaces methionine, which is neutral and non-polar, with valine, which is neutral and non-polar, at codon 320 of the SPTLC2 protein (p.Met320Val).